The following is an entry in ClinVar:

ClinVar aggregate classification (germline): Conflicting classifications of pathogenicity. Review status: criteria provided, conflicting classifications (1 of 4 stars). 6 submissions from 6 submitters: Likely pathogenic (1); Uncertain significance (5). Last evaluated 2026-01-15.

Conditions:
Cardiovascular phenotype. Identifiers: MedGen CN230736.
Catecholaminergic polymorphic ventricular tachycardia 1. Also called: VENTRICULAR TACHYCARDIA, STRESS-INDUCED POLYMORPHIC 1; VENTRICULAR TACHYCARDIA, CATECHOLAMINERGIC POLYMORPHIC, 1, WITH OR WITHOUT ATRIAL DYSFUNCTION AND/OR DILATED CARDIOMYOPATHY; RYR2-Related Catecholaminergic Polymorphic Ventricular Tachycardia. Identifiers: Orphanet 3286, MedGen C1631597, MONDO:0011484, OMIM 604772.

Allele frequency attached by ClinVar (database versions not stated): TOPMed below 0.00001; gnomAD exomes 0.00001.
gnomAD v4.1: 9 of 1,613,446 alleles (0.00056%); highest among the groups gnomAD compares: Non-Finnish European, 0.00076%; no homozygotes.

Submissions (6):

Labcorp Genetics (formerly Invitae), Labcorp
Classification: Uncertain significance for Catecholaminergic polymorphic ventricular tachycardia 1. Last evaluated: 2026-01-15. Review status: criteria provided, single submitter. Criteria: Invitae Variant Classification Sherloc (09022015). Collection method: clinical testing. Allele origin: germline.
Comment: This sequence change replaces serine, which is neutral and polar, with leucine, which is neutral and non-polar, at codon 3349 of the RYR2 protein (p.Ser3349Leu). This variant is not present in population databases (gnomAD no frequency). This missense change has been observed in individual(s) with sudden death or dilated cardiomyopathy (PMID: 27650965, 28087566, 31931689). ClinVar contains an entry for this variant (Variation ID: 190999). Invitae Evidence Modeling of protein sequence and biophysical properties (such as structural, functional, and spatial information, amino acid conservation, physicochemical variation, residue mobility, and thermodynamic stability) has been performed for this missense variant. However, the output from this modeling did not meet the statistical confidence thresholds required to predict the impact of this variant on RYR2 protein function. In summary, the available evidence is currently insufficient to determine the role of this variant in disease. Therefore, it has been classified as a Variant of Uncertain Significance.

Ambry Genetics
Classification: Uncertain significance for Cardiovascular phenotype. Last evaluated: 2025-09-24. Review status: criteria provided, single submitter. Criteria: Ambry Variant Classification Scheme 2023. Collection method: clinical testing. Allele origin: germline.
Comment: The p.S3349L variant (also known as c.10046C>T), located in coding exon 69 of the RYR2 gene, results from a C to T substitution at nucleotide position 10046. The serine at codon 3349 is replaced by leucine, an amino acid with dissimilar properties. This alteration has been reported in two sudden unexplained death cases, both of which had additional cardiac variants detected (Christiansen SL et al. Eur. J. Hum. Genet., 2016 12;24:1797-1802; Seidelmann SB et al. Circ Cardiovasc Genet, 2017 Feb;10:. This amino acid position is highly conserved in available vertebrate species. In addition, this alteration is predicted to be deleterious by in silico analysis. Since supporting evidence is limited at this time, the clinical significance of this alteration remains unclear.

GeneDx
Classification: Uncertain significance. Last evaluated: 2021-06-04. Review status: criteria provided, single submitter. Criteria: GeneDx Variant Classification Process June 2021. Collection method: clinical testing. Allele origin: germline. Affected: yes.
Comment: Observed in an individual with dilated cardiomyopathy (Ramchand et al., 2020); Observed in individuals with sudden cardiac death; however, these individuals were also reported to have additional pathogenic variants in the TTN and DSP genes (Christiansen et al., 2016; Seidelmann et al., 2017); Not observed at significant frequency in large population cohorts (Lek et al., 2016); Reported in ClinVar but additional evidence is not available (ClinVar Variant ID #190999; Landrum et al., 2016); Not located in one of the three hot-spot regions of the RYR2 gene, where the majority of pathogenic missense variants occur (Medeiros-Domingo et al., 2009); In silico analysis supports that this missense variant has a deleterious effect on protein structure/function; This variant is associated with the following publications: (PMID: 19926015, 27650965, 26582918, 28087566, 31931689, 27535533)

Victorian Clinical Genetics Services, Murdoch Childrens Research Institute
Classification: Uncertain significance for Catecholaminergic polymorphic ventricular tachycardia 1. Last evaluated: 2021-05-06. Review status: criteria provided, single submitter. Criteria: ACMG Guidelines, 2015. Collection method: clinical testing. Allele origin: germline. Inheritance: Autosomal dominant inheritance.
Comment: Based on the classification scheme VCGS_Germline_v1.3.4, this variant is classified as VUS-3B. Following criteria are met: 0103 - Dominant negative and gain of function are known mechanisms of disease in this gene and are associated with catecholaminergic polymorphic ventricular tachycardia 1 (MIM#604772) (PMID: 12459180, 27646203, 29477366). (I) 0107 - This gene is associated with autosomal dominant disease. (I) 0112 - The condition associated with this gene has incomplete penetrance (OMIM and PMID: 22787013). (I) 0200 - Variant is predicted to result in a missense amino acid change from serine to leucine. (I) 0251 - This variant is heterozygous. (I) 0301 - Variant is absent from gnomAD (both v2 and v3). (SP) 0309 - Two alternative amino acid changes at the same position have been observed in gnomAD (v2) (each present in 1 heterozygote, 0 homozygotes). (I) 0502 - Missense variant with conflicting in silico predictions and uninformative conservation. (I) 0604 - Variant is not located in an established domain, motif, hotspot or informative constraint region. (I) 0705 - No comparable missense variants have previous evidence for pathogenicity. (I) 0809 - Previous evidence of pathogenicity for this variant is inconclusive. This variant has been reported multiple times as uncertain significance in ClinVar by clinical laboratories. It has also been reported as uncertain significance in two unrelated individuals who suffered a sudden death who also had additional protein truncating variants in the DSP and TTN genes, respectively (PMIDs: 27650965, 28087566). This variant has been observed in two additional individuals in our VCGS cohort - one with DCM and one who suffered a sudden death and had a family history of cardiomyopathy. (I) 0905 - No published segregation evidence has been identified for this variant. (I) 1007 - No published functional evidence has been identified for this variant. (I) Legend: (SP) - Supporting pathogenic, (I) - Information, (SB) - Supporting benign

Laboratory for Molecular Medicine, Mass General Brigham Personalized Medicine
Classification: Uncertain significance. Last evaluated: 2017-11-13. Review status: criteria provided, single submitter. Criteria: LMM Criteria. Collection method: clinical testing. Allele origin: germline. Observed: 2 variant alleles.
Comment: The p.Ser3349Leu variant in RYR2 has been reported in 1 individual with sudden u nexplained death and 1 individual with sudden cardiac death (Christiansen 2016, Seidelmann 2017); however, both individuals carried an additional pathogenic var iant in a cardiomyopathy-associated gene. The p.Ser3349Leu variant was absent fr om large population studies. Computational prediction tools and conservation ana lysis suggest that the variant may impact the protein, though this information i s not predictive enough to determine pathogenicity. In summary, the clinical sig nificance of the p.Ser3349Leu variant is uncertain. ACMG/AMP Criteria applied: P M2, PP3, BP5.

Genomic Medicine Center of Excellence, King Faisal Specialist Hospital and Research Centre
Classification: Likely pathogenic. Review status: criteria provided, single submitter. Criteria: ACMG Guidelines, 2015. Collection method: research. Allele origin: germline. Affected: yes.

Literature cited by the submitters: PubMed 27650965 (cited by 4 submitters); PubMed 28087566 (cited by 4 submitters); PubMed 31931689 (cited by Labcorp Genetics (formerly Invitae), Labcorp); PubMed 12459180 (cited by Victorian Clinical Genetics Services, Murdoch Childrens Research Institute); PubMed 22787013 (cited by Victorian Clinical Genetics Services, Murdoch Childrens Research Institute); PubMed 27646203 (cited by Victorian Clinical Genetics Services, Murdoch Childrens Research Institute); PubMed 29477366 (cited by Victorian Clinical Genetics Services, Murdoch Childrens Research Institute); PubMed 26112015 (cited by Laboratory for Molecular Medicine, Mass General Brigham Personalized Medicine); PubMed 12093772 (cited by Laboratory for Molecular Medicine, Mass General Brigham Personalized Medicine).

NM_001035.3(RYR2):c.10046C>T (p.Ser3349Leu)

Gene: RYR2 (ryanodine receptor 2; plus strand). Cytogenetic location: 1q43.
Variant type: single nucleotide variant.
Coding change: c.10046C>T on transcript NM_001035.3 (MANE Select); coding-DNA position 10046, C replaced by T.
Protein change: p.Ser3349Leu; replaces serine 3349 with leucine.
Molecular consequence: missense variant.
Genome position (GRCh38, 1-based): chr1:237,709,002, C>T. VCF-style: chr1-237709002-C-T. GRCh37 (hg19) VCF-style: chr1-237872302-C-T.
Other names: short protein forms S3349L.
Identifiers: ClinVar variation 190999 (VCV000190999.22), dbSNP rs786205455, ClinGen allele CA006517.